The following is an entry in ClinVar:

NM_001370595.2(COA8):c.-34G>A

Gene: COA8 (cytochrome c oxidase assembly factor 8; plus strand). Cytogenetic location: 14q32.33.
Variant type: single nucleotide variant.
Coding change: c.-34G>A on transcript NM_001370595.2 (MANE Select); 34 bases upstream of the start codon, G replaced by A.
Molecular consequence: 5 prime UTR variant. On other transcripts: non-coding transcript variant (2).
Genome position (GRCh38, 1-based): chr14:103,562,968, G>A. VCF-style: chr14-103562968-G-A. GRCh37 (hg19) VCF-style: chr14-104029305-G-A.
Other names: c.-34G>A (NM_001302653.2, NM_001302654.2); c.6G>A (NM_032374.4).
Identifiers: ClinVar variation 742351 (VCV000742351.9), dbSNP rs2076095937, ClinGen allele CA391111064.
Genomic context (GRCh38, chr14:103,562,968, plus strand): 5'-CGCGCTTCCTCGGGCTTCGCGACCCTGCCGTAAAGCGGCCCCTCGCGCCGTCGCAATGCT[G>A]CCGTGCGCCGCGGGAGCCAGGGGGCGTGGGGCCATGGTGGTCTTGCGGGCGGGGAAGAAG-3'

ClinVar aggregate classification (germline): Likely benign. Review status: criteria provided, single submitter (1 of 4 stars). 2 submissions from 2 submitters: Likely benign (1). 1 of the submissions does not count toward it. Last evaluated 2024-02-05.

Conditions:
COA8-related disorder. Also called: COA8-related condition.

Allele frequency attached by ClinVar (database versions not stated): gnomAD exomes below 0.00001.
gnomAD v4.1: 3 of 1,510,368 alleles (0.0002%); highest among the groups gnomAD compares: Non-Finnish European, 0.00026%; no homozygotes.

Submissions (2):

Labcorp Genetics (formerly Invitae), Labcorp
Classification: Likely benign. Last evaluated: 2024-02-05. Review status: criteria provided, single submitter. Criteria: Invitae Variant Classification Sherloc (09022015). Collection method: clinical testing. Allele origin: germline.

PreventionGenetics, part of Exact Sciences
Classification: Likely benign for COA8-related condition. Last evaluated: 2019-06-10. Review status: no assertion criteria provided. Collection method: clinical testing. Allele origin: germline. Not counted in ClinVar's aggregate classification.
Comment: This variant is classified as likely benign based on ACMG/AMP sequence variant interpretation guidelines (Richards et al. 2015 PMID: 25741868, with internal and published modifications).